The following is an entry in ClinVar:

NM_007294.4(BRCA1):c.754C>A (p.Arg252Ser)

Gene: BRCA1 (BRCA1 DNA repair associated; minus strand). Cytogenetic location: 17q21.31.
Variant type: single nucleotide variant.
Coding change: c.754C>A on transcript NM_007294.4 (MANE Select); coding-DNA position 754, C replaced by A.
Protein change: p.Arg252Ser; replaces arginine 252 with serine.
Molecular consequence: missense variant. On other transcripts: 5 prime UTR variant (2), intron variant (13).
Genome position (GRCh38, 1-based): chr17:43,094,777, G>T on the plus strand (C>A on the coding strand, the complement: BRCA1 is on the minus strand). VCF-style: chr17-43094777-G-T. GRCh37 (hg19) VCF-style: chr17-41246794-G-T.
Other names: c.541C>A, p.Arg181Ser (NM_001407571.1, NM_001407853.1, NM_001407894.1 and 12 more transcripts); c.754C>A, p.Arg252Ser (NM_001407581.1, NM_001407582.1, NM_001407583.1 and 54 more transcripts); c.751C>A, p.Arg251Ser (NM_001407587.1, NM_001407590.1, NM_001407591.1 and 38 more transcripts); c.745C>A, p.Arg249Ser (NM_001407646.1, NM_001407647.1, NM_001408408.1); c.631C>A, p.Arg211Ser (NM_001407648.1, NM_001407664.1, NM_001407665.1 and 34 more transcripts); c.628C>A, p.Arg210Ser (NM_001407649.1, NM_001407670.1, NM_001407671.1 and 20 more transcripts); c.676C>A, p.Arg226Ser (NM_001407653.1, NM_001407654.1, NM_001407655.1 and 9 more transcripts); c.673C>A, p.Arg225Ser (NM_001407659.1, NM_001407660.1, NM_001407661.1 and 3 more transcripts); and 20 more; short protein forms R124S, R163S, R181S, R184S, R225S, R164S, R185S, R204S.
Identifiers: ClinVar variation 2858139 (VCV002858139.3), dbSNP rs273902786, ClinGen allele CA10600574.

ClinVar aggregate classification (germline): Uncertain significance (1 of 4 stars; one submission).

Conditions:
Hereditary breast ovarian cancer syndrome. Also called: Hereditary breast and ovarian cancer syndrome (HBOC); Hereditary breast and ovarian cancer syndrome; Hereditary breast and/or ovarian cancer syndrome; Hereditary breast and ovarian cancer; Breast and ovarian cancer; BRCA1- and BRCA2-Associated Hereditary Breast and Ovarian Cancer. Identifiers: Orphanet 145, MedGen C0677776, MeSH D061325, MONDO:0003582. Disease mechanism: loss of function.

Submission:

Labcorp Genetics (formerly Invitae), Labcorp
Classification: Uncertain significance for Hereditary breast ovarian cancer syndrome. Last evaluated: 2023-04-22. Review status: criteria provided, single submitter. Criteria: Invitae Variant Classification Sherloc (09022015). Collection method: clinical testing. Allele origin: germline.
Comment: This variant has not been reported in the literature in individuals affected with BRCA1-related conditions. Advanced modeling of protein sequence and biophysical properties (such as structural, functional, and spatial information, amino acid conservation, physicochemical variation, residue mobility, and thermodynamic stability) performed at Invitae indicates that this missense variant is not expected to disrupt BRCA1 protein function. In summary, the available evidence is currently insufficient to determine the role of this variant in disease. Therefore, it has been classified as a Variant of Uncertain Significance. This variant is not present in population databases (gnomAD no frequency). This sequence change replaces arginine, which is basic and polar, with serine, which is neutral and polar, at codon 252 of the BRCA1 protein (p.Arg252Ser).